The following is an entry in ClinVar:

ClinVar aggregate classification (germline): Uncertain significance (1 of 4 stars; one submission).

Submission:

Labcorp Genetics (formerly Invitae), Labcorp
Classification: Uncertain significance. Last evaluated: 2021-03-15. Review status: criteria provided, single submitter. Criteria: Invitae Variant Classification Sherloc (09022015). Collection method: clinical testing. Allele origin: germline.
Comment: In summary, the available evidence is currently insufficient to determine the role of this variant in disease. Therefore, it has been classified as a Variant of Uncertain Significance. Nucleotide substitutions within the consensus splice site are a relatively common cause of aberrant splicing (PMID: 17576681, 9536098). Algorithms developed to predict the effect of sequence changes on RNA splicing suggest that this variant may disrupt the consensus splice site, but this prediction has not been confirmed by published transcriptional studies. This variant has not been reported in the literature in individuals with SGPL1-related conditions. This variant is not present in population databases (ExAC no frequency). This sequence change falls in intron 7 of the SGPL1 gene. It does not directly change the encoded amino acid sequence of the SGPL1 protein. It affects a nucleotide within the consensus splice site of the intron.

Literature cited by the submitters: PubMed 17576681; PubMed 9536098.

NM_003901.4(SGPL1):c.615+6T>G

Gene: SGPL1 (sphingosine-1-phosphate lyase 1; plus strand). Cytogenetic location: 10q22.1.
Variant type: single nucleotide variant.
Coding change: c.615+6T>G on transcript NM_003901.4 (MANE Select); 6 bases into the intron after coding-DNA position 615, T replaced by G.
Molecular consequence: intron variant.
Genome position (GRCh38, 1-based): chr10:70,859,505, T>G. VCF-style: chr10-70859505-T-G. GRCh37 (hg19) VCF-style: chr10-72619262-T-G.
Identifiers: ClinVar variation 1470601 (VCV001470601.6), dbSNP rs2131913138, ClinGen allele CA2573145394.
Genomic context (GRCh38, chr10:70,859,505, plus strand): 5'-AATCGTGAGGATAGCTTGTTCCCTGTTCAATGGGGGACCAGATTCGTGTGGATGTGTAAG[T>G]ATATGCAAGGGGCATCCAATAGCCTTATTTTTTAGGTTAAAATAGAAGAGTTTTTAATAA-3'